The following is an entry in ClinVar:

ClinVar aggregate classification (germline): Uncertain significance (1 of 4 stars; one submission).

Conditions:
Alpha thalassemia-X-linked intellectual disability syndrome (ATRX). Also called: ALPHA-THALASSEMIA/MENTAL RETARDATION SYNDROME, X-LINKED; ATR, NONDELETION TYPE; ATR-X syndrome; Alpha thalassemia mental retardation syndrome, nondeletion type, X-linked; XLMR hypotonic face syndrome; X-linked alpha-thalassemia-mental retardation syndrome. Identifiers: Orphanet 847, MedGen C1845055, MONDO:0010519, OMIM 301040.

Allele frequency attached by ClinVar (database versions not stated): gnomAD exomes below 0.00001.
gnomAD v4.1: 1 of 1,208,493 alleles (0.000083%); highest among the groups gnomAD compares: Non-Finnish European, 0.00011%; no homozygotes.

Submission:

Labcorp Genetics (formerly Invitae), Labcorp
Classification: Uncertain significance for Alpha thalassemia-X-linked intellectual disability syndrome. Last evaluated: 2024-10-29. Review status: criteria provided, single submitter. Criteria: Invitae Variant Classification Sherloc (09022015). Collection method: clinical testing. Allele origin: germline.
Comment: This sequence change replaces alanine, which is neutral and non-polar, with threonine, which is neutral and polar, at codon 1410 of the ATRX protein (p.Ala1410Thr). This variant is not present in population databases (gnomAD no frequency). This variant has not been reported in the literature in individuals affected with ATRX-related conditions. ClinVar contains an entry for this variant (Variation ID: 2113922). Invitae Evidence Modeling of protein sequence and biophysical properties (such as structural, functional, and spatial information, amino acid conservation, physicochemical variation, residue mobility, and thermodynamic stability) indicates that this missense variant is not expected to disrupt ATRX protein function with a negative predictive value of 95%. In summary, the available evidence is currently insufficient to determine the role of this variant in disease. Therefore, it has been classified as a Variant of Uncertain Significance.

NM_000489.6(ATRX):c.4228G>A (p.Ala1410Thr)

Gene: ATRX (ATRX chromatin remodeler; minus strand). Cytogenetic location: Xq21.1.
Variant type: single nucleotide variant.
Coding change: c.4228G>A on transcript NM_000489.6 (MANE Select); coding-DNA position 4228, G replaced by A.
Protein change: p.Ala1410Thr; replaces alanine 1410 with threonine.
Molecular consequence: missense variant.
Genome position (GRCh38, 1-based): chrX:77,654,187, C>T on the plus strand (G>A on the coding strand, the complement: ATRX is on the minus strand). VCF-style: chrX-77654187-C-T. GRCh37 (hg19) VCF-style: chrX-76909677-C-T.
Other names: c.4114G>A, p.Ala1372Thr (NM_138270.5); short protein forms A1372T, A1410T.
Identifiers: ClinVar variation 2113922 (VCV002113922.4), dbSNP rs2148451575, ClinGen allele CA413709659.
Genomic context (GRCh38, chrX:77,654,187, plus strand): 5'-CCTTAATACGTCGCCTTTTCTTTTTCTGTTTATAGCTCCGCTGATTTTCTTCCAACTCTG[C>T]TTTCTTTGCAGACCTGACGAAAATTTAAAACACAAAATAAAATATTTCATGATAAACTTC-3'
Protein context (NP_000480.3, residues 1400-1420): QRPRTRSAKK[Ala1410Thr]ELEENQRSYK